The following is an entry in ClinVar:

ClinVar aggregate classification (germline): Benign. Review status: criteria provided, multiple submitters, no conflicts (2 of 4 stars). 3 submissions from 3 submitters: Benign (3). Last evaluated 2022-08-01.

Conditions:
Hereditary diffuse gastric adenocarcinoma (HDGC). Also called: DIFFUSE GASTRIC AND LOBULAR BREAST CANCER SYNDROME. Identifiers: Orphanet 26106, MedGen C1708349, MONDO:0007648, OMIM 137215.

Allele frequency attached by ClinVar (database versions not stated): 1000 Genomes Project 0.01298; 1000 Genomes Project 30x 0.01359; gnomAD 0.01529 and 0.01558; TOPMed 0.01549; ESP Exome Variant Server 0.02023; gnomAD exomes 0.02453.
gnomAD v4.1: 32,833 of 1,398,240 alleles (2.3%); highest among the groups gnomAD compares: Non-Finnish European, 2.8%; 461 homozygotes.

Submissions (3):

European Reference Network on Genetic Tumour Risk Syndromes (ERN-GENTURIS), i3s - Instituto de Investigação e Inovação em Saúde, University of Porto
Classification: Benign for Hereditary diffuse gastric adenocarcinoma. Last evaluated: 2022-08-01. Review status: criteria provided, single submitter. Criteria: Lee et al. (Hum Mutat. 2018). Collection method: clinical testing. Allele origin: germline. Inheritance: Autosomal dominant inheritance. Affected: no. Study: ERN GENTURIS.
Comment: BA1; BP2 (PMID: 30311375)

GeneDx
Classification: Benign. Last evaluated: 2015-03-03. Review status: criteria provided, single submitter. Criteria: GeneDx Variant Classification Process June 2021. Collection method: clinical testing. Allele origin: germline. Affected: yes.

Breakthrough Genomics
Classification: Benign. Review status: criteria provided, single submitter. Criteria: ACMG Guidelines, 2015. Collection method: not provided. Allele origin: germline. Inheritance: Autosomal dominant inheritance. Affected: yes.

Literature cited by the submitters: PubMed 36436516 (cited by European Reference Network on Genetic Tumour Risk Syndromes (ERN-GENTURIS), i3s - Instituto de Investigação e Inovação em Saúde, University of Porto).

NM_004360.5(CDH1):c.1712-52G>C

Gene: CDH1 (cadherin 1; plus strand). Cytogenetic location: 16q22.1.
Variant type: single nucleotide variant.
Coding change: c.1712-52G>C on transcript NM_004360.5 (MANE Select); 52 bases into the intron before coding-DNA position 1712, G replaced by C.
Molecular consequence: intron variant.
Genome position (GRCh38, 1-based): chr16:68,821,949, G>C. VCF-style: chr16-68821949-G-C. GRCh37 (hg19) VCF-style: chr16-68855852-G-C.
Other names: c.164-52G>C (NM_001317185.2); c.-254-52G>C (NM_001317186.2); c.1529-52G>C (NM_001317184.2); c.1712-52G>C (NM_004360.4).
Identifiers: ClinVar variation 1263563 (VCV001263563.4), dbSNP rs34582129, ClinGen allele CA283311874.
Genomic context (GRCh38, chr16:68,821,949, plus strand): 5'-TGGTGAGGGACCACTGAAGAGCCAGGACAAGATCTAGACTTGGTCTGGTGGAAGGCAATG[G>C]GGATTCATTACTGTTGCCAAGCTGCCACATTTTCTGTGTATTTTCTCTTAGGTTCTCCAG-3'